The following is an entry in ClinVar:

ClinVar aggregate classification (germline): Conflicting classifications of pathogenicity. Review status: criteria provided, conflicting classifications (1 of 4 stars). 3 submissions from 3 submitters: Uncertain significance (1); Likely benign (1). 1 of the submissions does not count toward it. Last evaluated 2024-10-22.

Conditions:
Inborn genetic diseases. Identifiers: MedGen C0950123, MeSH D030342.
KIDINS220-related disorder. Also called: KIDINS220-related condition.

Allele frequency attached by ClinVar (database versions not stated): ESP Exome Variant Server 0.00008; TOPMed 0.00011; ExAC 0.00014; gnomAD exomes 0.00015; gnomAD 0.00017.
gnomAD v4.1: 252 of 1,613,736 alleles (0.016%); highest among the groups gnomAD compares: Non-Finnish European, 0.02%; no homozygotes.

Submissions (3):

Labcorp Genetics (formerly Invitae), Labcorp
Classification: Uncertain significance. Last evaluated: 2024-10-22. Review status: criteria provided, single submitter. Criteria: Invitae Variant Classification Sherloc (09022015). Collection method: clinical testing. Allele origin: germline.
Comment: This sequence change replaces alanine, which is neutral and non-polar, with threonine, which is neutral and polar, at codon 729 of the KIDINS220 protein (p.Ala729Thr). This variant is present in population databases (rs200846235, gnomAD 0.03%). This variant has not been reported in the literature in individuals affected with KIDINS220-related conditions. ClinVar contains an entry for this variant (Variation ID: 2140166). An algorithm developed to predict the effect of missense changes on protein structure and function (PolyPhen-2) suggests that this variant is likely to be disruptive. In summary, the available evidence is currently insufficient to determine the role of this variant in disease. Therefore, it has been classified as a Variant of Uncertain Significance.

Ambry Genetics
Classification: Likely benign for Inborn genetic diseases. Last evaluated: 2021-11-24. Review status: criteria provided, single submitter. Criteria: Ambry Variant Classification Scheme 2023. Collection method: clinical testing. Allele origin: germline.

PreventionGenetics, part of Exact Sciences
Classification: Uncertain significance for KIDINS220-related condition. Last evaluated: 2024-09-24. Review status: no assertion criteria provided. Collection method: clinical testing. Allele origin: germline. Not counted in ClinVar's aggregate classification.
Comment: The KIDINS220 c.2185G>A variant is predicted to result in the amino acid substitution p.Ala729Thr. To our knowledge, this variant has not been reported in the literature. This variant is reported in 0.026% of alleles in individuals of European (Non-Finnish) descent in gnomAD. At this time, the clinical significance of this variant is uncertain due to the absence of conclusive functional and genetic evidence.

NM_020738.4(KIDINS220):c.2185G>A (p.Ala729Thr)

Gene: KIDINS220 (kinase D interacting substrate 220; minus strand). Cytogenetic location: 2p25.1.
Variant type: single nucleotide variant.
Coding change: c.2185G>A on transcript NM_020738.4 (MANE Select); coding-DNA position 2185, G replaced by A.
Protein change: p.Ala729Thr; replaces alanine 729 with threonine.
Molecular consequence: missense variant. On other transcripts: non-coding transcript variant (2).
Genome position (GRCh38, 1-based): chr2:8,785,785, C>T on the plus strand (G>A on the coding strand, the complement: KIDINS220 is on the minus strand). VCF-style: chr2-8785785-C-T. GRCh37 (hg19) VCF-style: chr2-8925915-C-T.
Other names: c.2188G>A, p.Ala730Thr (NM_001348729.2, NM_001348731.2, NM_001348734.2 and 3 more transcripts); c.2185G>A, p.Ala729Thr (NM_001348732.2, NM_001348735.2, NM_001348738.2 and 3 more transcripts); c.2059G>A, p.Ala687Thr (NM_001348736.2); c.2185G>A (NM_020738.2); short protein forms A730T, A729T, A687T.
Identifiers: ClinVar variation 2140166 (VCV002140166.7), dbSNP rs200846235, ClinGen allele CA1520032.